The following is an entry in ClinVar:

NM_004136.4(IREB2):c.2194A>G (p.Ile732Val)

Gene: IREB2 (iron responsive element binding protein 2; plus strand). Cytogenetic location: 15q25.1.
Variant type: single nucleotide variant.
Coding change: c.2194A>G on transcript NM_004136.4 (MANE Select); coding-DNA position 2194, A replaced by G.
Protein change: p.Ile732Val; replaces isoleucine 732 with valine.
Molecular consequence: missense variant.
Genome position (GRCh38, 1-based): chr15:78,490,631, A>G. VCF-style: chr15-78490631-A-G. GRCh37 (hg19) VCF-style: chr15-78782973-A-G.
Other names: c.1444A>G, p.Ile482Val (NM_001320941.2); c.2023A>G, p.Ile675Val (NM_001320942.2, NM_001354994.2); short protein forms I675V, I732V, I482V.
Identifiers: ClinVar variation 711158 (VCV000711158.11), dbSNP rs8032410, ClinGen allele CA7683188.
Genomic context (GRCh38, chr15:78,490,631, plus strand): 5'-CTAAGAAGTCTTGTAAAGAGTTAAATGCCTTGAACTTTTACCTTCTAGACCAAAGAGCCA[A>G]TTGCACTCCAGGCTATTGAAAATGCCCATGTCTTATTATATTTGGGAGACTCTGTCACAA-3'
Protein context (NP_004127.2, residues 722-742): SFFDKLTKEP[Ile732Val]ALQAIENAHV

ClinVar aggregate classification (germline): Likely benign. Review status: criteria provided, single submitter (1 of 4 stars). 2 submissions from 2 submitters: Likely benign (1). 1 of the submissions does not count toward it. Last evaluated 2025-10-14.

Conditions:
IREB2-related disorder. Also called: IREB2-related condition.

Allele frequency attached by ClinVar (database versions not stated): 1000 Genomes Project 30x 0.00219; 1000 Genomes Project 0.00220; TOPMed 0.00242; ESP Exome Variant Server 0.00254.
gnomAD v4.1: 737 of 1,614,080 alleles (0.046%); highest among the groups gnomAD compares: African/African-American, 0.73%; 1 homozygote.

Submissions (2):

Labcorp Genetics (formerly Invitae), Labcorp
Classification: Likely benign. Last evaluated: 2025-10-14. Review status: criteria provided, single submitter. Criteria: Invitae Variant Classification Sherloc (09022015). Collection method: clinical testing. Allele origin: germline.

PreventionGenetics, part of Exact Sciences
Classification: Benign for IREB2-related condition. Last evaluated: 2019-11-25. Review status: no assertion criteria provided. Collection method: clinical testing. Allele origin: germline. Not counted in ClinVar's aggregate classification.
Comment: This variant is classified as benign based on ACMG/AMP sequence variant interpretation guidelines (Richards et al. 2015 PMID: 25741868, with internal and published modifications).